The following is an entry in ClinVar:

ClinVar aggregate classification (germline): Uncertain significance (1 of 4 stars; one submission).

Conditions:
Inborn genetic diseases. Identifiers: MedGen C0950123, MeSH D030342.

gnomAD v4.1: 6 of 1,613,520 alleles (0.00037%); highest among the groups gnomAD compares: Non-Finnish European, 0.00051%; no homozygotes.

Submission:

Ambry Genetics
Classification: Uncertain significance for Inborn genetic diseases. Last evaluated: 2025-01-21. Review status: criteria provided, single submitter. Criteria: Ambry Variant Classification Scheme 2023. Collection method: clinical testing. Allele origin: germline.
Comment: The p.R207G variant (also known as c.619C>G), located in coding exon 4 of the KDM1A gene, results from a C to G substitution at nucleotide position 619. The arginine at codon 207 is replaced by glycine, an amino acid with dissimilar properties. This amino acid position is conserved. In addition, the in silico prediction for this alteration is inconclusive. Based on the available evidence, the clinical significance of this variant remains unclear.

NM_001009999.3(KDM1A):c.619C>G (p.Arg207Gly)

Gene: KDM1A (lysine demethylase 1A; plus strand). Cytogenetic location: 1p36.12.
Variant type: single nucleotide variant.
Coding change: c.619C>G on transcript NM_001009999.3 (MANE Select); coding-DNA position 619, C replaced by G.
Protein change: p.Arg207Gly; replaces arginine 207 with glycine.
Molecular consequence: missense variant.
Genome position (GRCh38, 1-based): chr1:23,050,428, C>G. VCF-style: chr1-23050428-C-G. GRCh37 (hg19) VCF-style: chr1-23376921-C-G.
Other names: c.559C>G, p.Arg187Gly (NM_001363654.2, NM_001410763.1, NM_015013.4); c.619C>G, p.Arg207Gly (NM_001410762.1); short protein forms R187G, R207G.
Identifiers: ClinVar variation 3863284 (VCV003863284.1).